The following is an entry in ClinVar:

NM_000059.4(BRCA2):c.4613C>T (p.Ser1538Phe)

Gene: BRCA2 (BRCA2 DNA repair associated; plus strand). Cytogenetic location: 13q13.1.
Variant type: single nucleotide variant.
Coding change: c.4613C>T on transcript NM_000059.4 (MANE Select); coding-DNA position 4613, C replaced by T.
Protein change: p.Ser1538Phe; replaces serine 1538 with phenylalanine.
Molecular consequence: missense variant.
Genome position (GRCh38, 1-based): chr13:32,338,968, C>T. VCF-style: chr13-32338968-C-T. GRCh37 (hg19) VCF-style: chr13-32913105-C-T.
Other names: short protein forms S1538F.
Identifiers: ClinVar variation 942925 (VCV000942925.15), dbSNP rs754643404, ClinGen allele CA6940798.

ClinVar aggregate classification (germline): Conflicting classifications of pathogenicity. Review status: criteria provided, conflicting classifications (1 of 4 stars). 6 submissions from 6 submitters: Uncertain significance (5); Likely benign (1). Last evaluated 2025-10-29.

Conditions:
Hereditary breast ovarian cancer syndrome. Also called: Hereditary breast and ovarian cancer syndrome; Hereditary breast and ovarian cancer syndrome (HBOC); Hereditary breast and/or ovarian cancer syndrome; Hereditary breast and ovarian cancer; BRCA1- and BRCA2-Associated Hereditary Breast and Ovarian Cancer; Breast and ovarian cancer. Identifiers: Orphanet 145, MedGen C0677776, MeSH D061325, MONDO:0003582. Disease mechanism: loss of function.
BRCA2-related cancer predisposition. Identifiers: MedGen CN377758, MONDO:0700269.
Fanconi anemia complementation group D1. Also called: BRCA2-Related Fanconi Anemia. Identifiers: Orphanet 319462, MedGen C1838457, MONDO:0011584, OMIM 605724.
Medulloblastoma (MDB). Also called: Medulloblastoma, somatic; MEDULLOBLASTOMA PREDISPOSITION SYNDROME. Identifiers: Orphanet 616, MedGen C0025149, MeSH D008527, MONDO:0007959, OMIM 155255, HP:0002885.
Familial cancer of breast. Also called: BREAST CANCER, FAMILIAL; Hereditary breast cancer; hereditary breast carcinoma. Identifiers: Orphanet 227535, MedGen C0346153, MONDO:0016419, OMIM 114480. Disease mechanism: loss of function.
Breast-ovarian cancer, familial, susceptibility to, 2 (BROVCA2). Also called: BRCA2 Hereditary Breast and Ovarian Cancer. Identifiers: Orphanet 145, MedGen C2675520, MONDO:0012933, OMIM 612555. Disease mechanism: loss of function.
Pancreatic cancer, susceptibility to, 2. Identifiers: Orphanet 1333, MedGen C3150546, MONDO:0013235, OMIM 613347.
Glioma susceptibility 3 (GLM3). Also called: Glioblastoma 3. Identifiers: Orphanet 182067, Orphanet 360, MedGen C2751641, MONDO:0013093, OMIM 613029.
Familial prostate cancer. Also called: Hereditary Prostate Cancer. Identifiers: MedGen C2931456, MONDO:0700275, OMIM 176807.
Wilms tumor 1 (WT1). Also called: Wilms tumor, somatic. Identifiers: Orphanet 654, MedGen CN033288, MONDO:0008679, OMIM 194070.
Hereditary cancer-predisposing syndrome. Also called: Neoplastic Syndromes, Hereditary; Hereditary neoplastic syndrome; Tumor predisposition; Hereditary Cancer Syndrome. Identifiers: Orphanet 140162, MedGen C0027672, MeSH D009386, MONDO:0015356.

Allele frequency attached by ClinVar (database versions not stated): gnomAD exomes below 0.00001; ExAC 0.00001.
gnomAD v4.1: 1 of 1,613,722 alleles (0.000062%); highest among the groups gnomAD compares: Non-Finnish European, 0.000085%; no homozygotes.

Submissions (6):

Ambry Genetics
Classification: Uncertain significance for Hereditary cancer-predisposing syndrome. Last evaluated: 2025-10-29. Review status: criteria provided, single submitter. Criteria: Ambry Variant Classification Scheme 2023. Collection method: clinical testing. Allele origin: germline.
Comment: The p.S1538F variant (also known as c.4613C>T), located in coding exon 10 of the BRCA2 gene, results from a C to T substitution at nucleotide position 4613. The serine at codon 1538 is replaced by phenylalanine, an amino acid with highly dissimilar properties. This amino acid position is well conserved in available vertebrate species. In addition, the in silico prediction for this alteration is inconclusive. Since supporting evidence is limited at this time, the clinical significance of this alteration remains unclear.

Labcorp Genetics (formerly Invitae), Labcorp
Classification: Uncertain significance for Hereditary breast ovarian cancer syndrome. Last evaluated: 2025-10-10. Review status: criteria provided, single submitter. Criteria: Invitae Variant Classification Sherloc (09022015). Collection method: clinical testing. Allele origin: germline.
Comment: This sequence change replaces serine, which is neutral and polar, with phenylalanine, which is neutral and non-polar, at codon 1538 of the BRCA2 protein (p.Ser1538Phe). This variant is present in population databases (rs754643404, gnomAD 0.0009%). This variant has not been reported in the literature in individuals affected with BRCA2-related conditions. ClinVar contains an entry for this variant (Variation ID: 942925). Invitae Evidence Modeling of protein sequence and biophysical properties (such as structural, functional, and spatial information, amino acid conservation, physicochemical variation, residue mobility, and thermodynamic stability) indicates that this missense variant is not expected to disrupt BRCA2 protein function with a negative predictive value of 95%. In summary, the available evidence is currently insufficient to determine the role of this variant in disease. Therefore, it has been classified as a Variant of Uncertain Significance.

All of Us Research Program, National Institutes of Health
Classification: Uncertain significance for BRCA2-related cancer predisposition. Last evaluated: 2024-06-09. Review status: criteria provided, single submitter. Criteria: ACMG Guidelines, 2015. Collection method: clinical testing. Allele origin: germline. Inheritance: Autosomal dominant inheritance. Observed: 1 variant allele, 1 heterozygote.
Comment: This missense variant replaces serine with phenylalanine at codon 1538 of the BRCA2 protein. Computational prediction is inconclusive regarding the impact of this variant on protein structure and function. To our knowledge, functional studies have not been reported for this variant. This variant has not been reported in individuals affected with BRCA2-related disorders in the literature. This variant has not been identified in the general population by the Genome Aggregation Database (gnomAD). The available evidence is insufficient to determine the role of this variant in disease conclusively. Therefore, this variant is classified as a Variant of Uncertain Significance.

This study involves interpretation of variants in research participants for the purpose of population health screening. Participant phenotype was not available at the time of variant classification. Additional details can be found in publication PMID: 35346344, PMCID: PMC8962531

Color Diagnostics, LLC DBA Color Health
Classification: Uncertain significance for Hereditary cancer-predisposing syndrome. Last evaluated: 2024-02-20. Review status: criteria provided, single submitter. Criteria: ACMG Guidelines, 2015. Collection method: clinical testing. Allele origin: germline.
Comment: This missense variant replaces serine with phenylalanine at codon 1538 of the BRCA2 protein. Computational prediction is inconclusive regarding the impact of this variant on protein structure and function. To our knowledge, functional studies have not been reported for this variant. This variant has not been reported in individuals affected with BRCA2-related disorders in the literature. This variant has not been identified in the general population by the Genome Aggregation Database (gnomAD). The available evidence is insufficient to determine the role of this variant in disease conclusively. Therefore, this variant is classified as a Variant of Uncertain Significance.

Fulgent Genetics
Classification: Uncertain significance for Familial cancer of breast; Medulloblastoma; Familial prostate cancer; Wilms tumor 1; Fanconi anemia complementation group D1; Breast-ovarian cancer, familial, susceptibility to, 2; Glioma susceptibility 3; Pancreatic cancer, susceptibility to, 2. Last evaluated: 2024-01-11. Review status: criteria provided, single submitter. Criteria: ACMG Guidelines, 2015. Collection method: clinical testing. Allele origin: germline.

University of Washington Department of Laboratory Medicine, University of Washington
Classification: Likely benign for Hereditary cancer-predisposing syndrome. Last evaluated: 2023-03-23. Review status: criteria provided, single submitter. Criteria: Dines et al. (Genet Med. 2020). Collection method: curation. Allele origin: germline.
Comment: Missense variant in a coldspot region where missense variants are very unlikely to be pathogenic (PMID:31911673).

BRCA2 exon 11 coldspot. Reclassification based on statistical prior probability.

Literature cited by the submitters: PubMed 22578220 (cited by Ambry Genetics).